The following is an entry in ClinVar:

ClinVar aggregate classification (germline): Uncertain significance (1 of 4 stars; one submission).

Allele frequency attached by ClinVar (database versions not stated): gnomAD exomes below 0.00001.
gnomAD v4.1: 5 of 1,614,058 alleles (0.00031%); highest among the groups gnomAD compares: Non-Finnish European, 0.00042%; no homozygotes.

Submission:

Labcorp Genetics (formerly Invitae), Labcorp
Classification: Uncertain significance. Last evaluated: 2022-02-07. Review status: criteria provided, single submitter. Criteria: Invitae Variant Classification Sherloc (09022015). Collection method: clinical testing. Allele origin: germline.
Comment: In summary, the available evidence is currently insufficient to determine the role of this variant in disease. Therefore, it has been classified as a Variant of Uncertain Significance. Experimental studies and prediction algorithms are not available or were not evaluated, and the functional significance of this variant is currently unknown. This variant has not been reported in the literature in individuals affected with ATR-related conditions. This variant is not present in population databases (gnomAD no frequency). This sequence change creates a premature translational stop signal (p.Arg2598*) in the ATR gene. While this is not anticipated to result in nonsense mediated decay, it is expected to disrupt the last 47 amino acid(s) of the ATR protein.

NM_001184.4(ATR):c.7792C>T (p.Arg2598Ter)

Gene: ATR (ATR checkpoint kinase; minus strand). Cytogenetic location: 3q23.
Variant type: single nucleotide variant.
Coding change: c.7792C>T on transcript NM_001184.4 (MANE Select); coding-DNA position 7792, C replaced by T.
Protein change: p.Arg2598Ter; replaces arginine 2598 with a stop codon.
Molecular consequence: nonsense.
Genome position (GRCh38, 1-based): chr3:142,449,572, G>A on the plus strand (C>T on the coding strand, the complement: ATR is on the minus strand). VCF-style: chr3-142449572-G-A. GRCh37 (hg19) VCF-style: chr3-142168414-G-A.
Other names: c.7600C>T, p.Arg2534Ter (NM_001354579.2); short protein forms R2598*, R2534*.
Identifiers: ClinVar variation 2049768 (VCV002049768.4), dbSNP rs2070734519, ClinGen allele CA354793924.